The following is an entry in ClinVar:

ClinVar aggregate classification (germline): Uncertain significance (1 of 4 stars; one submission).

Conditions:
Duchenne muscular dystrophy (DMD). Also called: Duchenne Muscular Dystrophy (DMD); MUSCULAR DYSTROPHY, PSEUDOHYPERTROPHIC PROGRESSIVE, DUCHENNE TYPE. Identifiers: Orphanet 98896, MedGen C0013264, MONDO:0010679, OMIM 310200.

gnomAD v4.1: 17 of 1,201,455 alleles (0.0014%); highest among the groups gnomAD compares: Non-Finnish European, 0.0019%; no homozygotes.

Submission:

Labcorp Genetics (formerly Invitae), Labcorp
Classification: Uncertain significance for Duchenne muscular dystrophy. Last evaluated: 2025-05-11. Review status: criteria provided, single submitter. Criteria: Invitae Variant Classification Sherloc (09022015). Collection method: clinical testing. Allele origin: germline.
Comment: This sequence change replaces glutamic acid, which is acidic and polar, with glycine, which is neutral and non-polar, at codon 287 of the DMD protein (p.Glu287Gly). This variant is not present in population databases (gnomAD no frequency). This variant has not been reported in the literature in individuals affected with DMD-related conditions. ClinVar contains an entry for this variant (Variation ID: 1503357). Invitae Evidence Modeling of protein sequence and biophysical properties (such as structural, functional, and spatial information, amino acid conservation, physicochemical variation, residue mobility, and thermodynamic stability) indicates that this missense variant is not expected to disrupt DMD protein function with a negative predictive value of 95%. In summary, the available evidence is currently insufficient to determine the role of this variant in disease. Therefore, it has been classified as a Variant of Uncertain Significance.

NM_004006.3(DMD):c.860A>G (p.Glu287Gly)

Gene: DMD (dystrophin; minus strand). Cytogenetic location: Xp21.1.
Variant type: single nucleotide variant.
Coding change: c.860A>G on transcript NM_004006.3 (MANE Select); coding-DNA position 860, A replaced by G.
Protein change: p.Glu287Gly; replaces glutamic acid 287 with glycine.
Molecular consequence: missense variant.
Genome position (GRCh38, 1-based): chrX:32,697,970, T>C on the plus strand (A>G on the coding strand, the complement: DMD is on the minus strand). VCF-style: chrX-32697970-T-C. GRCh37 (hg19) VCF-style: chrX-32716087-T-C.
Other names: c.836A>G, p.Glu279Gly (NM_000109.4); c.848A>G, p.Glu283Gly (NM_004009.3); c.491A>G, p.Glu164Gly (NM_004010.3); short protein forms E279G, E283G, E164G, E287G.
Identifiers: ClinVar variation 1503357 (VCV001503357.9), dbSNP rs1485322486, ClinGen allele CA412668688.
Genomic context (GRCh38, chrX:32,697,970, plus strand): 5'-ACATAAGCAGCCTGTGTGTAGGCATAGCTCTTGAATCGAGGCTTAGGGGAAGAAGTTCTC[T>C]CATATCCCTGTGCTAGACTGACCGTGATCTGCAGAGAAGGGTTTGGGGGAGTGGATAGAG-3'
Protein context (NP_003997.2, residues 277-297): QITVSLAQGY[Glu287Gly]RTSSPKPRFK